The following is an entry in ClinVar:

ClinVar aggregate classification (germline): Uncertain significance. Review status: criteria provided, multiple submitters, no conflicts (2 of 4 stars). 3 submissions from 3 submitters: Uncertain significance (2). 1 of the submissions does not count toward it. Last evaluated 2024-11-05.

Conditions:
Dilated cardiomyopathy 1G (CMD1G). Identifiers: Orphanet 154, MedGen C1858763, MONDO:0011400, OMIM 604145.
Autosomal recessive limb-girdle muscular dystrophy type 2J (LGMDR10). Also called: Limb-girdle muscular dystrophy, type 2J; MUSCULAR DYSTROPHY, LIMB-GIRDLE, AUTOSOMAL RECESSIVE 10. Identifiers: Orphanet 140922, MedGen C1837342, MONDO:0012127, OMIM 608807.
TTN-related disorder. Also called: TTN-related disorders; TTN-related condition; TTN-related disease.

Submissions (3):

Labcorp Genetics (formerly Invitae), Labcorp
Classification: Uncertain significance for Dilated cardiomyopathy 1G; Autosomal recessive limb-girdle muscular dystrophy type 2J. Last evaluated: 2024-11-05. Review status: criteria provided, single submitter. Criteria: Invitae Variant Classification Sherloc (09022015). Collection method: clinical testing. Allele origin: germline.
Comment: This sequence change falls in intron 82 of the TTN gene. It does not directly change the encoded amino acid sequence of the TTN protein. It affects a nucleotide within the consensus splice site. This variant is not present in population databases (gnomAD no frequency). This variant has not been reported in the literature in individuals affected with TTN-related conditions. Variants that disrupt the consensus splice site are a relatively common cause of aberrant splicing (PMID: 17576681, 9536098). Algorithms developed to predict the effect of sequence changes on RNA splicing suggest that this variant may disrupt the consensus splice site. This variant is located in the I band of TTN (PMID: 25589632). Non-truncating variants in this region may be clinically relevant, but have not been definitively shown to cause cardiomyopathy or neuromuscular disease (PMID: 27493940, 32778822). In summary, the available evidence is currently insufficient to determine the role of this variant in disease. Therefore, it has been classified as a Variant of Uncertain Significance.

GeneDx
Classification: Uncertain significance. Last evaluated: 2024-02-27. Review status: criteria provided, single submitter. Criteria: GeneDx Variant Classification Process June 2021. Collection method: clinical testing. Allele origin: germline. Affected: yes.
Comment: Has not been previously published as pathogenic or benign to our knowledge; Not observed at significant frequency in large population cohorts (gnomAD); In silico analysis supports a deleterious effect on splicing

PreventionGenetics, part of Exact Sciences
Classification: Uncertain significance for TTN-related condition. Last evaluated: 2024-06-25. Review status: no assertion criteria provided. Collection method: clinical testing. Allele origin: germline. Not counted in ClinVar's aggregate classification.
Comment: The TTN c.23938+5G>A variant is predicted to interfere with splicing. To our knowledge, this variant has not been reported in the literature or in a large population database, indicating this variant is rare. At this time, the clinical significance of this variant is uncertain due to the absence of conclusive functional and genetic evidence.

Literature cited by the submitters: PubMed 17576681 (cited by Labcorp Genetics (formerly Invitae), Labcorp); PubMed 9536098 (cited by Labcorp Genetics (formerly Invitae), Labcorp); PubMed 25589632 (cited by Labcorp Genetics (formerly Invitae), Labcorp); PubMed 27493940 (cited by Labcorp Genetics (formerly Invitae), Labcorp); PubMed 32778822 (cited by Labcorp Genetics (formerly Invitae), Labcorp).

NM_001267550.2(TTN):c.23938+5G>A

Gene: TTN (titin; minus strand). Cytogenetic location: 2q31.2.
Variant type: single nucleotide variant.
Coding change: c.23938+5G>A on transcript NM_001267550.2 (MANE Select); 5 bases into the intron after coding-DNA position 23938, G replaced by A.
Molecular consequence: intron variant.
Genome position (GRCh38, 1-based): chr2:178,719,549, C>T on the plus strand (G>A on the coding strand, the complement: TTN is on the minus strand). VCF-style: chr2-178719549-C-T. GRCh37 (hg19) VCF-style: chr2-179584276-C-T.
Other names: c.13282+18533G>A (NM_003319.4); c.13858+18533G>A (NM_133437.4); c.13657+18533G>A (NM_133432.3); c.20206+5G>A (NM_133378.4); c.22987+5G>A (NM_001256850.1).
Identifiers: ClinVar variation 3355831 (VCV003355831.3).
Genomic context (GRCh38, chr2:178,719,549, plus strand): 5'-TTTTATTCTGTGCCCCTCCACCCCCTGGAAATATTGTATATTCATAAAAATCTCATTCTA[C>T]TCACCAGAAACATGGACGGATACAGTGCAGTTACTTTTGCCAACACTGTTTTTCACTTCA-3'